The following is an entry in ClinVar:

ClinVar aggregate classification (germline): Uncertain significance (1 of 4 stars; one submission).

Allele frequency attached by ClinVar (database versions not stated): gnomAD exomes below 0.00001; ExAC 0.00001; gnomAD 0.00002; TOPMed 0.00002.
gnomAD v4.1: 8 of 1,612,936 alleles (0.0005%); highest among the groups gnomAD compares: African/African-American, 0.0053%; no homozygotes.

Submission:

GeneDx
Classification: Uncertain significance. Last evaluated: 2022-07-29. Review status: criteria provided, single submitter. Criteria: GeneDx Variant Classification Process June 2021. Collection method: clinical testing. Allele origin: germline. Affected: yes.
Comment: Not observed at significant frequency in large population cohorts (gnomAD); In silico analysis supports that this missense variant does not alter protein structure/function; Has not been previously published as pathogenic or benign to our knowledge

NM_015213.4(DENND5A):c.3856G>A (p.Asp1286Asn)

Gene: DENND5A (DENN domain containing 5A; minus strand). Cytogenetic location: 11p15.4.
Variant type: single nucleotide variant.
Coding change: c.3856G>A on transcript NM_015213.4 (MANE Select); coding-DNA position 3856, G replaced by A.
Protein change: p.Asp1286Asn; replaces aspartic acid 1286 with asparagine.
Molecular consequence: missense variant. On other transcripts: 3 prime UTR variant (1), non-coding transcript variant (1).
Genome position (GRCh38, 1-based): chr11:9,139,679, C>T on the plus strand (G>A on the coding strand, the complement: DENND5A is on the minus strand). VCF-style: chr11-9139679-C-T. GRCh37 (hg19) VCF-style: chr11-9161226-C-T.
Other names: c.*96G>A (NM_001243254.2); c.3856G>A, p.Asp1286Asn (NM_001348748.1); c.3784G>A, p.Asp1262Asn (NM_001348749.2); c.3568G>A, p.Asp1190Asn (NM_001348750.2); short protein forms D1190N, D1262N, D1286N.
Identifiers: ClinVar variation 2413009 (VCV002413009.3), dbSNP rs763204081, ClinGen allele CA5876952.